The following is an entry in ClinVar:

ClinVar aggregate classification (germline): Uncertain significance. Review status: criteria provided, multiple submitters, no conflicts (2 of 4 stars). 2 submissions from 2 submitters: Uncertain significance (2). Last evaluated 2025-12-22.

Conditions:
Cardiomyopathy (CMYO). Also called: Cardiomyopathies. Identifiers: Orphanet 167848, MedGen C0878544, MONDO:0004994, HP:0001638. Inheritance: Various modes of inheritance.
Charcot-Marie-Tooth disease type 2. Also called: Charcot-Marie-Tooth type 2. Identifiers: Orphanet 64746, MedGen C0270914, MONDO:0018993.

Submissions (2):

Labcorp Genetics (formerly Invitae), Labcorp
Classification: Uncertain significance for Charcot-Marie-Tooth disease type 2. Last evaluated: 2025-12-22. Review status: criteria provided, single submitter. Criteria: Invitae Variant Classification Sherloc (09022015). Collection method: clinical testing. Allele origin: germline.
Comment: This sequence change replaces arginine, which is basic and polar, with serine, which is neutral and polar, at codon 99 of the LMNA protein (p.Arg99Ser). Information on the frequency of this variant in the gnomAD database is not available, as this variant may be reported differently in the database. This variant has not been reported in the literature in individuals affected with LMNA-related conditions. ClinVar contains an entry for this variant (Variation ID: 2428009). Experimental studies and prediction algorithms are not available or were not evaluated, and the functional significance of this variant is currently unknown. In summary, the available evidence is currently insufficient to determine the role of this variant in disease. Therefore, it has been classified as a Variant of Uncertain Significance.

Color Diagnostics, LLC DBA Color Health
Classification: Uncertain significance for Cardiomyopathy. Last evaluated: 2025-07-07. Review status: criteria provided, single submitter. Criteria: ACMG Guidelines, 2015. Collection method: clinical testing. Allele origin: germline.
Comment: This missense variant replaces arginine with serine at codon 99 of the LMNA protein. To our knowledge, functional studies have not been reported for this variant. This variant has not been reported in individuals affected with LMNA-related disorders in the literature. This variant has not been identified in the general population by the Genome Aggregation Database (gnomAD). The available evidence is insufficient to determine the role of this variant in disease conclusively. Therefore, this variant is classified as a Variant of Uncertain Significance.

NM_170707.4(LMNA):c.294_295delinsAA (p.Arg99Ser)

Gene: LMNA (lamin A/C; plus strand). Cytogenetic location: 1q22.
Variant type: Indel.
Coding change: c.294_295delinsAA on transcript NM_170707.4 (MANE Select); coding-DNA positions 294 to 295, GC replaced by AA.
Protein change: p.Arg99Ser; replaces arginine 99 with serine.
Molecular consequence: missense variant.
Genome position (GRCh38, 1-based): chr1:156,115,212-156,115,213, GC replaced by AA. VCF-style: chr1-156115212-GC-AA. GRCh37 (hg19) VCF-style: chr1-156085003-GC-AA.
Other names: c.294_295delinsAA, p.Arg99Ser (NM_001282625.2, NM_001282626.2, NM_005572.4 and 1 more transcripts); c.294_295delGCinsAA, p.Arg99Ser (NM_001406983.1, NM_001406984.1, NM_001406985.1 and 2 more transcripts); c.-130_-129delGCinsAA (NM_001406986.1); c.-108_-107delGCinsAA (NM_001406990.1, NM_001406995.1, NM_001407002.1); c.-371_-370delGCinsAA (NM_001406994.1, NM_001407000.1); c.-551_-550delGCinsAA (NM_001406999.1); c.-214_-213delGCinsAA (NM_001407001.1); short protein forms R99S.
Identifiers: ClinVar variation 2428009 (VCV002428009.5), dbSNP rs2527834097, ClinGen allele CA2580061181.